The following is an entry in ClinVar:

NM_001035.3(RYR2):c.4318A>G (p.Asn1440Asp)

Gene: RYR2 (ryanodine receptor 2; plus strand). Cytogenetic location: 1q43.
Variant type: single nucleotide variant.
Coding change: c.4318A>G on transcript NM_001035.3 (MANE Select); coding-DNA position 4318, A replaced by G.
Protein change: p.Asn1440Asp; replaces asparagine 1440 with aspartic acid.
Molecular consequence: missense variant.
Genome position (GRCh38, 1-based): chr1:237,593,518, A>G. VCF-style: chr1-237593518-A-G. GRCh37 (hg19) VCF-style: chr1-237756818-A-G.
Other names: short protein forms N1440D.
Identifiers: ClinVar variation 3682557 (VCV003682557.2).

ClinVar aggregate classification (germline): Uncertain significance (1 of 4 stars; one submission).

Conditions:
Catecholaminergic polymorphic ventricular tachycardia 1. Also called: VENTRICULAR TACHYCARDIA, STRESS-INDUCED POLYMORPHIC 1; VENTRICULAR TACHYCARDIA, CATECHOLAMINERGIC POLYMORPHIC, 1, WITH OR WITHOUT ATRIAL DYSFUNCTION AND/OR DILATED CARDIOMYOPATHY; RYR2-Related Catecholaminergic Polymorphic Ventricular Tachycardia. Identifiers: Orphanet 3286, MedGen C1631597, MONDO:0011484, OMIM 604772.

Submission:

Labcorp Genetics (formerly Invitae), Labcorp
Classification: Uncertain significance for Catecholaminergic polymorphic ventricular tachycardia 1. Last evaluated: 2024-06-12. Review status: criteria provided, single submitter. Criteria: Invitae Variant Classification Sherloc (09022015). Collection method: clinical testing. Allele origin: germline.
Comment: This sequence change replaces asparagine, which is neutral and polar, with aspartic acid, which is acidic and polar, at codon 1440 of the RYR2 protein (p.Asn1440Asp). This variant is not present in population databases (gnomAD no frequency). This variant has not been reported in the literature in individuals affected with RYR2-related conditions. Advanced modeling of protein sequence and biophysical properties (such as structural, functional, and spatial information, amino acid conservation, physicochemical variation, residue mobility, and thermodynamic stability) performed at Invitae indicates that this missense variant is not expected to disrupt RYR2 protein function with a negative predictive value of 95%. In summary, the available evidence is currently insufficient to determine the role of this variant in disease. Therefore, it has been classified as a Variant of Uncertain Significance.